The following is an entry in ClinVar:

NM_020812.4(DOCK6):c.1327G>A (p.Ala443Thr)

Gene: DOCK6 (dedicator of cytokinesis 6; minus strand). Cytogenetic location: 19p13.2.
Variant type: single nucleotide variant.
Coding change: c.1327G>A on transcript NM_020812.4 (MANE Select); coding-DNA position 1327, G replaced by A.
Protein change: p.Ala443Thr; replaces alanine 443 with threonine.
Molecular consequence: missense variant.
Genome position (GRCh38, 1-based): chr19:11,243,317, C>T on the plus strand (G>A on the coding strand, the complement: DOCK6 is on the minus strand). VCF-style: chr19-11243317-C-T. GRCh37 (hg19) VCF-style: chr19-11353993-C-T.
Other names: c.1327G>A, p.Ala443Thr (NM_001367830.1); short protein forms A443T.
Identifiers: ClinVar variation 2811046 (VCV002811046.3), dbSNP rs1023542321, ClinGen allele CA305341200.

ClinVar aggregate classification (germline): Uncertain significance (1 of 4 stars; one submission).

gnomAD v4.1: 13 of 1,600,828 alleles (0.00081%); highest among the groups gnomAD compares: Middle Eastern, 0.017%; no homozygotes.

Submission:

Labcorp Genetics (formerly Invitae), Labcorp
Classification: Uncertain significance. Last evaluated: 2023-10-03. Review status: criteria provided, single submitter. Criteria: Invitae Variant Classification Sherloc (09022015). Collection method: clinical testing. Allele origin: germline.
Comment: This sequence change replaces alanine, which is neutral and non-polar, with threonine, which is neutral and polar, at codon 443 of the DOCK6 protein (p.Ala443Thr). This variant is not present in population databases (gnomAD no frequency). This variant has not been reported in the literature in individuals affected with DOCK6-related conditions. Advanced modeling of protein sequence and biophysical properties (such as structural, functional, and spatial information, amino acid conservation, physicochemical variation, residue mobility, and thermodynamic stability) performed at Invitae indicates that this missense variant is not expected to disrupt DOCK6 protein function. In summary, the available evidence is currently insufficient to determine the role of this variant in disease. Therefore, it has been classified as a Variant of Uncertain Significance.